The following is an entry in ClinVar:

NM_139343.3(BIN1):c.866C>T (p.Ala289Val)

Gene: BIN1 (bridging integrator 1; minus strand). Cytogenetic location: 2q14.3.
Variant type: single nucleotide variant.
Coding change: c.866C>T on transcript NM_139343.3 (MANE Select); coding-DNA position 866, C replaced by T.
Protein change: p.Ala289Val; replaces alanine 289 with valine.
Molecular consequence: missense variant.
Genome position (GRCh38, 1-based): chr2:127,059,147, G>A on the plus strand (C>T on the coding strand, the complement: BIN1 is on the minus strand). VCF-style: chr2-127059147-G-A. GRCh37 (hg19) VCF-style: chr2-127816723-G-A.
Other names: c.818C>T, p.Ala273Val (NM_001320632.2, NM_004305.4, NM_139346.3); c.866C>T, p.Ala289Val (NM_001320633.2, NM_001320640.2, NM_139344.3 and 1 more transcripts); c.701C>T, p.Ala234Val (NM_001320634.1); c.773C>T, p.Ala258Val (NM_001320641.2, NM_139347.3, NM_139348.3 and 3 more transcripts); c.785C>T, p.Ala262Val (NM_001320642.1); short protein forms A262V, A234V, A258V, A273V, A289V.
Identifiers: ClinVar variation 660050 (VCV000660050.9), dbSNP rs771112840, ClinGen allele CA1857248.

ClinVar aggregate classification (germline): Uncertain significance. Review status: criteria provided, multiple submitters, no conflicts (2 of 4 stars). 2 submissions from 2 submitters: Uncertain significance (2). Last evaluated 2025-04-04.

Conditions:
Myopathy, centronuclear, 2 (CNM2). Also called: MYOTUBULAR MYOPATHY, AUTOSOMAL RECESSIVE. Identifiers: Orphanet 169186, MedGen CN031787, MONDO:0009709, OMIM 255200.
Inborn genetic diseases. Identifiers: MedGen C0950123, MeSH D030342.

Allele frequency attached by ClinVar (database versions not stated): gnomAD 0.00003 and 0.00004; TOPMed 0.00003; gnomAD exomes 0.00002; ExAC 0.00003.
gnomAD v4.1: 26 of 1,578,328 alleles (0.0016%); highest among the groups gnomAD compares: African/African-American, 0.0067%; no homozygotes.

Submissions (2):

Ambry Genetics
Classification: Uncertain significance for Inborn genetic diseases. Last evaluated: 2025-04-04. Review status: criteria provided, single submitter. Criteria: Ambry Variant Classification Scheme 2023. Collection method: clinical testing. Allele origin: germline.

Labcorp Genetics (formerly Invitae), Labcorp
Classification: Uncertain significance for Myopathy, centronuclear, 2. Last evaluated: 2024-01-22. Review status: criteria provided, single submitter. Criteria: Invitae Variant Classification Sherloc (09022015). Collection method: clinical testing. Allele origin: germline.
Comment: This sequence change replaces alanine, which is neutral and non-polar, with valine, which is neutral and non-polar, at codon 289 of the BIN1 protein (p.Ala289Val). The frequency data for this variant in the population databases is considered unreliable, as metrics indicate poor data quality at this position in the gnomAD database. This variant has not been reported in the literature in individuals affected with BIN1-related conditions. ClinVar contains an entry for this variant (Variation ID: 660050). Advanced modeling of protein sequence and biophysical properties (such as structural, functional, and spatial information, amino acid conservation, physicochemical variation, residue mobility, and thermodynamic stability) performed at Invitae indicates that this missense variant is not expected to disrupt BIN1 protein function with a negative predictive value of 80%. In summary, the available evidence is currently insufficient to determine the role of this variant in disease. Therefore, it has been classified as a Variant of Uncertain Significance.